The following is an entry in ClinVar:

ClinVar aggregate classification (germline): Benign/Likely benign. Review status: criteria provided, multiple submitters, no conflicts (2 of 4 stars). 3 submissions from 3 submitters: Benign (1); Likely benign (2). Last evaluated 2024-10-02.

Conditions:
Familial melanoma. Also called: Hereditary melanoma; Hereditary cutaneous melanoma. Identifiers: Orphanet 618, MedGen C1512419, MONDO:0018961.
Hereditary cancer-predisposing syndrome. Also called: Neoplastic Syndromes, Hereditary; Tumor predisposition; Hereditary Cancer Syndrome; Hereditary neoplastic syndrome. Identifiers: Orphanet 140162, MedGen C0027672, MeSH D009386, MONDO:0015356.
Melanoma, cutaneous malignant, susceptibility to, 3. Also called: Cutaneous malignant melanoma 3. Identifiers: Orphanet 618, MedGen C1836892, MONDO:0012183, OMIM 609048.

Allele frequency attached by ClinVar (database versions not stated): gnomAD exomes 0.00002.
gnomAD v4.1: 19 of 1,613,912 alleles (0.0012%); highest among the groups gnomAD compares: Non-Finnish European, 0.0016%; no homozygotes.

Submissions (3):

Labcorp Genetics (formerly Invitae), Labcorp
Classification: Likely benign for Familial melanoma. Last evaluated: 2024-10-02. Review status: criteria provided, single submitter. Criteria: Invitae Variant Classification Sherloc (09022015). Collection method: clinical testing. Allele origin: germline.

Myriad Genetics, Inc.
Classification: Benign for Melanoma, cutaneous malignant, susceptibility to, 3. Last evaluated: 2024-09-24. Review status: criteria provided, single submitter. Criteria: Myriad Autosomal Dominant, Autosomal Recessive and X-Linked Classification Criteria (2023). Collection method: clinical testing. Allele origin: unknown.
Comment: This variant is considered benign. This variant is a silent/synonymous amino acid change and it is not expected to impact splicing.

Ambry Genetics
Classification: Likely benign for Hereditary cancer-predisposing syndrome. Last evaluated: 2021-03-18. Review status: criteria provided, single submitter. Criteria: Ambry Variant Classification Scheme 2023. Collection method: clinical testing. Allele origin: germline.

NM_000075.4(CDK4):c.126A>C (p.Gly42=)

Genes: CDK4 (cyclin dependent kinase 4; minus strand), LOC130008148 (ATAC-STARR-seq lymphoblastoid silent region 4588; plus strand). Cytogenetic location: 12q14.1.
Variant type: single nucleotide variant.
Coding change: c.126A>C on transcript NM_000075.4 (MANE Select); coding-DNA position 126, A replaced by C.
Protein change: p.Gly42=; no amino-acid change (glycine 42 retained).
Molecular consequence: synonymous variant.
Genome position (GRCh38, 1-based): chr12:57,751,592, T>G on the plus strand (A>C on the coding strand, the complement: CDK4 is on the minus strand). VCF-style: chr12-57751592-T-G. GRCh37 (hg19) VCF-style: chr12-58145375-T-G.
Identifiers: ClinVar variation 1764938 (VCV001764938.8), dbSNP rs920277561, ClinGen allele CA237844567.
Genomic context (GRCh38, chr12:57,751,592, plus strand): 5'-TCGCCTCAGTAAAGCCACCTCACGAACTGTGCTGATGGGAAGGCCTCCTCCACCTCCTCC[T>G]CCATTGGGGACTCTCACACTCTTGAGGGCCACAAAGTGGCCACTGTGGGGATCACGGGCC-3'
Protein context (NP_000066.1, residues 32-52): VALKSVRVPN[Gly42=]GGGGGGLPIS